The following is an entry in ClinVar:

NM_001750.7(CAST):c.1933-3C>T

Genes: CAST (calpastatin; plus strand), ERAP1 (endoplasmic reticulum aminopeptidase 1; minus strand). Cytogenetic location: 5q15.
Variant type: single nucleotide variant.
Coding change: c.1933-3C>T on transcript NM_001750.7 (MANE Select); 3 bases into the intron before coding-DNA position 1933, C replaced by T.
Molecular consequence: intron variant.
Genome position (GRCh38, 1-based): chr5:96,765,218, C>T. VCF-style: chr5-96765218-C-T. GRCh37 (hg19) VCF-style: chr5-96100922-C-T.
Other names: c.1867-3C>T (NM_001042442.3); c.1810-3C>T (NM_001042440.5); c.1810-6C>T (NM_001330627.2); c.1849-3C>T (NM_001330629.2); c.1822-3C>T (NM_001375317.1); c.1765-3C>T (NM_001330628.2); c.1684-3C>T (NM_001042443.3, NM_001423250.1); c.1645-3C>T (NM_001330631.2, NM_001423251.1, NM_001423252.1 and 1 more transcripts); and 14 more.
Identifiers: ClinVar variation 716343 (VCV000716343.12), dbSNP rs113716524, ClinGen allele CA3351581.

ClinVar aggregate classification (germline): Benign. Review status: criteria provided, single submitter (1 of 4 stars). 2 submissions from 2 submitters: Benign (1). 1 of the submissions does not count toward it. Last evaluated 2026-01-17.

Conditions:
ERAP1-related disorder. Also called: ERAP1-related condition.

Allele frequency attached by ClinVar (database versions not stated): gnomAD 0.00496 and 0.00527; 1000 Genomes Project 30x 0.00531; TOPMed 0.00577; gnomAD exomes 0.00131 and 0.00040; ExAC 0.00169; 1000 Genomes Project 0.00499; ESP Exome Variant Server 0.00600.
gnomAD v4.1: 1,358 of 1,565,646 alleles (0.087%); highest among the groups gnomAD compares: African/African-American, 1.6%; 15 homozygotes.

Submissions (12):

Labcorp Genetics (formerly Invitae), Labcorp
Classification: Benign. Last evaluated: 2026-01-17. Review status: criteria provided, single submitter. Criteria: Invitae Variant Classification Sherloc (09022015). Collection method: clinical testing. Allele origin: germline.

PreventionGenetics, part of Exact Sciences
Classification: Benign for ERAP1-related condition. Last evaluated: 2020-03-20. Review status: no assertion criteria provided. Collection method: clinical testing. Allele origin: germline. Not counted in ClinVar's aggregate classification.
Comment: This variant is classified as benign based on ACMG/AMP sequence variant interpretation guidelines (Richards et al. 2015 PMID: 25741868, with internal and published modifications).

Dr. Peter K. Rogan Lab, Western University
No classification provided (evidence only). Condition: Clear cell carcinoma of kidney. Review status: no classification provided. Collection method: in vitro. Allele origin: not applicable. Functional consequence: retained intron. Not counted in ClinVar's aggregate classification.

Dr. Peter K. Rogan Lab, Western University
No classification provided (evidence only). Condition: Clear cell carcinoma of kidney. Review status: no classification provided. Collection method: in vitro. Allele origin: not applicable. Functional consequence: retained intron. Not counted in ClinVar's aggregate classification.

Dr. Peter K. Rogan Lab, Western University
No classification provided (evidence only). Condition: Clear cell carcinoma of kidney. Review status: no classification provided. Collection method: in vitro. Allele origin: not applicable. Functional consequence: retained intron. Not counted in ClinVar's aggregate classification.

Dr. Peter K. Rogan Lab, Western University
No classification provided (evidence only). Condition: Acute myeloid leukemia. Review status: no classification provided. Collection method: in vitro. Allele origin: not applicable. Functional consequence: retained intron. Not counted in ClinVar's aggregate classification.

Dr. Peter K. Rogan Lab, Western University
No classification provided (evidence only). Condition: Uterine corpus endometrial carcinoma. Review status: no classification provided. Collection method: in vitro. Allele origin: not applicable. Functional consequence: retained intron. Not counted in ClinVar's aggregate classification.

Dr. Peter K. Rogan Lab, Western University
No classification provided (evidence only). Condition: Uterine corpus endometrial carcinoma. Review status: no classification provided. Collection method: in vitro. Allele origin: not applicable. Functional consequence: retained intron. Not counted in ClinVar's aggregate classification.

Dr. Peter K. Rogan Lab, Western University
No classification provided (evidence only). Condition: Uterine corpus endometrial carcinoma. Review status: no classification provided. Collection method: in vitro. Allele origin: not applicable. Functional consequence: retained intron. Not counted in ClinVar's aggregate classification.

Dr. Peter K. Rogan Lab, Western University
No classification provided (evidence only). Condition: Sarcoma. Review status: no classification provided. Collection method: in vitro. Allele origin: not applicable. Functional consequence: retained intron. Not counted in ClinVar's aggregate classification.

Dr. Peter K. Rogan Lab, Western University
No classification provided (evidence only). Condition: Ovarian serous cystadenocarcinoma. Review status: no classification provided. Collection method: in vitro. Allele origin: not applicable. Functional consequence: retained intron. Not counted in ClinVar's aggregate classification.

Dr. Peter K. Rogan Lab, Western University
No classification provided (evidence only). Condition: Gastric cancer. Review status: no classification provided. Collection method: in vitro. Allele origin: not applicable. Functional consequence: retained intron. Not counted in ClinVar's aggregate classification.